The following is an entry in ClinVar:

NM_031407.7(HUWE1):c.9514C>T (p.Leu3172Phe)

Gene: HUWE1 (HECT, UBA and WWE domain containing E3 ubiquitin protein ligase 1; minus strand). Cytogenetic location: Xp11.22.
Variant type: single nucleotide variant.
Coding change: c.9514C>T on transcript NM_031407.7 (MANE Select); coding-DNA position 9514, C replaced by T.
Protein change: p.Leu3172Phe; replaces leucine 3172 with phenylalanine.
Molecular consequence: missense variant.
Genome position (GRCh38, 1-based): chrX:53,549,480, G>A on the plus strand (C>T on the coding strand, the complement: HUWE1 is on the minus strand). VCF-style: chrX-53549480-G-A. GRCh37 (hg19) VCF-style: chrX-53576441-G-A.
Other names: c.9511C>T, p.Leu3171Phe (NM_001441048.1, NM_001441051.1, NM_001441053.1 and 2 more transcripts); c.9514C>T, p.Leu3172Phe (NM_001441049.1, NM_001441054.1, NM_001441057.1); c.9535C>T, p.Leu3179Phe (NM_001441050.1, NM_001441055.1); c.9112C>T, p.Leu3038Phe (NM_001441052.1); short protein forms L3038F, L3171F, L3172F, L3179F.
Identifiers: ClinVar variation 4537764 (VCV004537764.1).

ClinVar aggregate classification (germline): Uncertain significance (1 of 4 stars; one submission).

Submission:

GeneDx
Classification: Uncertain significance. Last evaluated: 2025-06-12. Review status: criteria provided, single submitter. Criteria: GeneDx Variant Classification Process June 2021. Collection method: clinical testing. Allele origin: germline. Affected: yes.
Comment: Not observed at significant frequency in large population cohorts (gnomAD); In silico analysis suggests that this missense variant does not alter protein structure/function; Has not been previously published as pathogenic or benign to our knowledge